The following is an entry in ClinVar:

ClinVar aggregate classification (germline): Uncertain significance (1 of 4 stars; one submission).

Conditions:
Paroxysmal nonkinesigenic dyskinesia. Also called: Paroxysmal non-kinesigenic dyskinesia. Identifiers: Orphanet 98810, MedGen C1869117, MONDO:0700088.

Submission:

Labcorp Genetics (formerly Invitae), Labcorp
Classification: Uncertain significance for Paroxysmal nonkinesigenic dyskinesia. Last evaluated: 2022-11-08. Review status: criteria provided, single submitter. Criteria: Invitae Variant Classification Sherloc (09022015). Collection method: clinical testing. Allele origin: germline.
Comment: In summary, the available evidence is currently insufficient to determine the role of this variant in disease. Therefore, it has been classified as a Variant of Uncertain Significance. Advanced modeling of protein sequence and biophysical properties (such as structural, functional, and spatial information, amino acid conservation, physicochemical variation, residue mobility, and thermodynamic stability) performed at Invitae indicates that this missense variant is expected to disrupt PNKD protein function. This variant has not been reported in the literature in individuals affected with PNKD-related conditions. This variant is not present in population databases (gnomAD no frequency). This sequence change replaces leucine, which is neutral and non-polar, with arginine, which is basic and polar, at codon 372 of the PNKD protein (p.Leu372Arg).

NM_015488.5(PNKD):c.1115T>G (p.Leu372Arg)

Genes: CATIP-AS2 (CATIP antisense RNA 2; minus strand), PNKD (PNKD metallo-beta-lactamase domain containing; plus strand). Cytogenetic location: 2q35.
Variant type: single nucleotide variant.
Coding change: c.1115T>G on transcript NM_015488.5 (MANE Select); coding-DNA position 1115, T replaced by G.
Protein change: p.Leu372Arg; replaces leucine 372 with arginine.
Molecular consequence: missense variant.
Genome position (GRCh38, 1-based): chr2:218,344,938, T>G. VCF-style: chr2-218344938-T-G. GRCh37 (hg19) VCF-style: chr2-219209661-T-G.
Other names: c.1043T>G, p.Leu348Arg (NM_022572.5); short protein forms L348R, L372R.
Identifiers: ClinVar variation 1901958 (VCV001901958.5), dbSNP rs1694789383, ClinGen allele CA350544007.